The following is an entry in ClinVar:

ClinVar aggregate classification (germline): Benign (1 of 4 stars; one submission).

Allele frequency attached by ClinVar (database versions not stated): gnomAD 0.80592 and 0.81057; TOPMed 0.81354; 1000 Genomes Project 30x 0.85650; 1000 Genomes Project 0.86002.
gnomAD v4.1: 123,313 of 152,178 alleles (81%); highest among the groups gnomAD compares: East Asian, 100%; 50,184 homozygotes.

Submission:

GeneDx
Classification: Benign. Last evaluated: 2018-06-18. Review status: criteria provided, single submitter. Criteria: GeneDx Variant Classification (06012015). Collection method: clinical testing. Allele origin: germline. Affected: yes.
Comment: This variant is considered likely benign or benign based on one or more of the following criteria: it is a conservative change, it occurs at a poorly conserved position in the protein, it is predicted to be benign by multiple in silico algorithms, and/or has population frequency not consistent with disease.

NM_001018005.2(TPM1):c.375-274G>A

Gene: TPM1 (tropomyosin 1; plus strand). Cytogenetic location: 15q22.2.
Variant type: single nucleotide variant.
Coding change: c.375-274G>A on transcript NM_001018005.2 (MANE Select); 274 bases into the intron before coding-DNA position 375, G replaced by A.
Molecular consequence: intron variant.
Genome position (GRCh38, 1-based): chr15:63,059,289, G>A. VCF-style: chr15-63059289-G-A. GRCh37 (hg19) VCF-style: chr15-63351488-G-A.
Other names: c.501-274G>A (NM_001365778.1); c.375-274G>A (NM_001018020.2, NM_001018007.2, NM_001018006.2 and 6 more transcripts); c.267-274G>A (NM_001330351.2, NM_001330344.2, NM_001018008.2 and 5 more transcripts).
Identifiers: ClinVar variation 684022 (VCV000684022.1), dbSNP rs4238372, ClinGen allele CA14178553.
Genomic context (GRCh38, chr15:63,059,289, plus strand): 5'-ATAGTAAAGCATATTGGCTTTTCCGGTTTCATACTGCCAAGATTCAGACAGATTCCTGAC[G>A]TGGTACCTTTCGTCATCATTAATGTTAGATGCCTGATAGTTTCATCAGTACTCAAAGTGA-3'